The following is an entry in ClinVar:

ClinVar aggregate classification (germline): Conflicting classifications of pathogenicity. Review status: criteria provided, conflicting classifications (1 of 4 stars). 2 submissions from 2 submitters: Likely pathogenic (1); Uncertain significance (1). Last evaluated 2026-02-05.

Conditions:
Infantile neuroaxonal dystrophy (NBIA2A). Also called: NEURODEGENERATION WITH BRAIN IRON ACCUMULATION 2A; Infantile neuroaxonal dystrophy 1; SEITELBERGER DISEASE. Identifiers: Orphanet 35069, MedGen C0270724, MONDO:0024457, OMIM 256600.
PLA2G6-related disorder. Also called: PLA2G6-related condition.

Allele frequency attached by ClinVar (database versions not stated): gnomAD exomes below 0.00001.
gnomAD v4.1: 2 of 1,613,774 alleles (0.00012%); highest among the groups gnomAD compares: Non-Finnish European, 0.00017%; no homozygotes.

Submissions (2):

PreventionGenetics, part of Exact Sciences
Classification: Uncertain significance for PLA2G6-related condition. Last evaluated: 2026-02-05. Review status: criteria provided, single submitter. Criteria: ACMG Guidelines, 2015. Collection method: clinical testing. Allele origin: germline.
Comment: The PLA2G6 c.1630A>G variant is predicted to result in the amino acid substitution p.Met544Val. To our knowledge, this variant has not been reported in the literature or in a large population database (gnomAD), indicating this variant is rare. At this time, the clinical significance of this variant is uncertain due to the absence of conclusive functional and genetic evidence.

Labcorp Genetics (formerly Invitae), Labcorp
Classification: Likely pathogenic for Infantile neuroaxonal dystrophy. Last evaluated: 2022-10-26. Review status: criteria provided, single submitter. Criteria: Invitae Variant Classification Sherloc (09022015). Collection method: clinical testing. Allele origin: germline.
Comment: This sequence change replaces methionine, which is neutral and non-polar, with valine, which is neutral and non-polar, at codon 544 of the PLA2G6 protein (p.Met544Val). This variant is not present in population databases (gnomAD no frequency). This missense change has been observed in individual(s) with clinical features of PLA2G6-related conditions (Invitae). In at least one individual the data is consistent with being in trans (on the opposite chromosome) from a pathogenic variant. Advanced modeling of protein sequence and biophysical properties (such as structural, functional, and spatial information, amino acid conservation, physicochemical variation, residue mobility, and thermodynamic stability) performed at Invitae indicates that this missense variant is expected to disrupt PLA2G6 protein function. In summary, the currently available evidence indicates that the variant is pathogenic, but additional data are needed to prove that conclusively. Therefore, this variant has been classified as Likely Pathogenic.

NM_003560.4(PLA2G6):c.1630A>G (p.Met544Val)

Gene: PLA2G6 (phospholipase A2 group VI; minus strand). Cytogenetic location: 22q13.1.
Variant type: single nucleotide variant.
Coding change: c.1630A>G on transcript NM_003560.4 (MANE Select); coding-DNA position 1630, A replaced by G.
Protein change: p.Met544Val; replaces methionine 544 with valine.
Molecular consequence: missense variant.
Genome position (GRCh38, 1-based): chr22:38,120,871, T>C on the plus strand (A>G on the coding strand, the complement: PLA2G6 is on the minus strand). VCF-style: chr22-38120871-T-C. GRCh37 (hg19) VCF-style: chr22-38516878-T-C.
Other names: c.1468A>G, p.Met490Val (NM_001004426.3, NM_001199562.3, NM_001349865.2 and 1 more transcripts); c.1630A>G, p.Met544Val (NM_001349864.2); c.1096A>G, p.Met366Val (NM_001349867.2); c.952A>G, p.Met318Val (NM_001349868.2); c.934A>G, p.Met312Val (NM_001349869.2); c.1630A>G (NM_003560.2); short protein forms M318V, M366V, M544V, M312V, M490V.
Identifiers: ClinVar variation 2130085 (VCV002130085.5), dbSNP rs2517951819, ClinGen allele CA411527574.